The following is an entry in ClinVar:

NM_004304.5(ALK):c.4381_4382delinsGG (p.Ile1461Gly)

Gene: ALK (ALK receptor tyrosine kinase; minus strand). Cytogenetic location: 2p23.2.
Variant type: Indel.
Coding change: c.4381_4382delinsGG on transcript NM_004304.5 (MANE Select); coding-DNA positions 4381 to 4382, AT replaced by GG.
Protein change: p.Ile1461Gly; replaces isoleucine 1461 with glycine.
Molecular consequence: missense variant.
Genome position (GRCh38, 1-based): chr2:29,193,705-29,193,706, AT replaced by CC on the plus strand (AT replaced by GG on the coding strand, the reverse complement: ALK is on the minus strand). VCF-style: chr2-29193705-AT-CC. GRCh37 (hg19) VCF-style: chr2-29416571-AT-CC.
Other names: c.1177_1178delinsGG, p.Ile393Gly (NM_001353765.2); short protein forms I1461G, I393G.
Identifiers: ClinVar variation 5035616 (VCV005035616.1).

ClinVar aggregate classification (germline): Uncertain significance (1 of 4 stars; one submission).

Conditions:
Hereditary cancer-predisposing syndrome. Also called: Hereditary Cancer Syndrome; Neoplastic Syndromes, Hereditary; Tumor predisposition; Hereditary neoplastic syndrome. Identifiers: Orphanet 140162, MedGen C0027672, MeSH D009386, MONDO:0015356.

Submission:

Ambry Genetics
Classification: Uncertain significance for Hereditary cancer-predisposing syndrome. Last evaluated: 2026-08-28. Review status: criteria provided, single submitter. Criteria: Ambry Variant Classification Scheme 2023. Collection method: clinical testing. Allele origin: germline.
Comment: The c.4381_4382delATinsGG variant (also known as p.I1461G), located in coding exon 29 of the ALK gene, results from an in-frame deletion of AT and insertion of GG at nucleotide positions 4381 to 4382. This results in the substitution of the isoleucine residue for a glycine residue at codon 1461, an amino acid with dissimilar properties. This amino acid position is poorly conserved in available vertebrate species. In addition, this variant is predicted to be neutral by in silico analysis (Choi Y et al. PLoS ONE. 2012; 7(10):e46688). Based on the available evidence, the clinical significance of this variant remains unclear.